The following is an entry in ClinVar:

ClinVar aggregate classification (germline): Uncertain significance. Review status: criteria provided, multiple submitters, no conflicts (2 of 4 stars). 3 submissions from 3 submitters: Uncertain significance (3). Last evaluated 2025-01-02.

Conditions:
Hereditary spastic paraplegia 48. Also called: Spastic paraplegia 48; SPASTIC PARAPLEGIA 48, AUTOSOMAL RECESSIVE. Identifiers: Orphanet 306511, MedGen C3150901, MONDO:0013342, OMIM 613647.

Allele frequency attached by ClinVar (database versions not stated): TOPMed 0.00002; gnomAD 0.00003 and 0.00004; ESP Exome Variant Server 0.00008; gnomAD exomes 0.00014; ExAC 0.00020; 1000 Genomes Project 30x 0.00031.
gnomAD v4.1: 121 of 1,613,272 alleles (0.0075%); highest among the groups gnomAD compares: South Asian, 0.066%; 1 homozygote.

Submissions (3):

Mayo Clinic Laboratories, Mayo Clinic
Classification: Uncertain significance. Last evaluated: 2025-01-02. Review status: criteria provided, single submitter. Criteria: ACMG Guidelines, 2015. Collection method: clinical testing. Allele origin: germline. Observed: 1 variant allele.

Labcorp Genetics (formerly Invitae), Labcorp
Classification: Uncertain significance for Hereditary spastic paraplegia 48. Last evaluated: 2022-08-21. Review status: criteria provided, single submitter. Criteria: Invitae Variant Classification Sherloc (09022015). Collection method: clinical testing. Allele origin: germline.
Comment: This sequence change replaces arginine, which is basic and polar, with glutamine, which is neutral and polar, at codon 59 of the AP5Z1 protein (p.Arg59Gln). This variant is present in population databases (rs200423282, gnomAD 0.05%). This variant has not been reported in the literature in individuals affected with AP5Z1-related conditions. ClinVar contains an entry for this variant (Variation ID: 804538). Algorithms developed to predict the effect of missense changes on protein structure and function (SIFT, PolyPhen-2, Align-GVGD) all suggest that this variant is likely to be disruptive. In summary, the available evidence is currently insufficient to determine the role of this variant in disease. Therefore, it has been classified as a Variant of Uncertain Significance.

Athena Diagnostics
Classification: Uncertain significance. Last evaluated: 2018-10-29. Review status: criteria provided, single submitter. Criteria: Athena Diagnostics Criteria. Collection method: clinical testing. Allele origin: germline.

NM_014855.3(AP5Z1):c.176G>A (p.Arg59Gln)

Gene: AP5Z1 (adaptor related protein complex 5 subunit zeta 1; plus strand). Cytogenetic location: 7p22.1.
Variant type: single nucleotide variant.
Coding change: c.176G>A on transcript NM_014855.3 (MANE Select); coding-DNA position 176, G replaced by A.
Protein change: p.Arg59Gln; replaces arginine 59 with glutamine.
Molecular consequence: missense variant. On other transcripts: 5 prime UTR variant (1), non-coding transcript variant (1).
Genome position (GRCh38, 1-based): chr7:4,781,309, G>A. VCF-style: chr7-4781309-G-A. GRCh37 (hg19) VCF-style: chr7-4820940-G-A.
Other names: p.Arg59Gln; c.-106G>A (NM_001364858.1); short protein forms R59Q.
Identifiers: ClinVar variation 804538 (VCV000804538.7), dbSNP rs200423282, ClinGen allele CA4137069.
Genomic context (GRCh38, chr7:4,781,309, plus strand): 5'-CGGACACCCTCGACTCCCTGCAGAGGCTCTTCCTCATCATCTCAGCCACGAAGTACAGCC[G>A]GAGGTGAGTGTGGCGACGGCTCAGGCCGGCTCCTCACACAGCGGCCCCAGGAGAACCCAG-3'
Protein context (NP_055670.1, residues 49-69): FLIISATKYS[Arg59Gln]RLEKTCVDLL